The following is an entry in ClinVar:

NM_015474.4(SAMHD1):c.1410+4A>C

Gene: SAMHD1 (SAM and HD domain containing deoxynucleoside triphosphate triphosphohydrolase 1; minus strand). Cytogenetic location: 20q11.23.
Variant type: single nucleotide variant.
Coding change: c.1410+4A>C on transcript NM_015474.4 (MANE Select); 4 bases into the intron after coding-DNA position 1410, A replaced by C.
Molecular consequence: intron variant.
Genome position (GRCh38, 1-based): chr20:36,905,360, T>G on the plus strand (A>C on the coding strand, the complement: SAMHD1 is on the minus strand). VCF-style: chr20-36905360-T-G. GRCh37 (hg19) VCF-style: chr20-35533763-T-G.
Other names: c.1410+4A>C (NM_001363729.2, NM_001363733.2).
Identifiers: ClinVar variation 2000697 (VCV002000697.4), dbSNP rs2515228853, ClinGen allele CA2580098147.

ClinVar aggregate classification (germline): Uncertain significance (1 of 4 stars; one submission).

Conditions:
Aicardi-Goutieres syndrome 5. Identifiers: Orphanet 51, MedGen C2749659, MONDO:0013059, OMIM 612952.

Submission:

Labcorp Genetics (formerly Invitae), Labcorp
Classification: Uncertain significance for Aicardi-Goutieres syndrome 5. Last evaluated: 2023-09-13. Review status: criteria provided, single submitter. Criteria: Invitae Variant Classification Sherloc (09022015). Collection method: clinical testing. Allele origin: germline.
Comment: This sequence change falls in intron 12 of the SAMHD1 gene. It does not directly change the encoded amino acid sequence of the SAMHD1 protein. It affects a nucleotide within the consensus splice site. This variant is not present in population databases (gnomAD no frequency). This variant has not been reported in the literature in individuals affected with SAMHD1-related conditions. ClinVar contains an entry for this variant (Variation ID: 2000697). Variants that disrupt the consensus splice site are a relatively common cause of aberrant splicing (PMID: 17576681, 9536098). Algorithms developed to predict the effect of sequence changes on RNA splicing suggest that this variant may disrupt the consensus splice site. In summary, the available evidence is currently insufficient to determine the role of this variant in disease. Therefore, it has been classified as a Variant of Uncertain Significance.

Literature cited by the submitters: PubMed 17576681; PubMed 9536098.